The following is an entry in ClinVar:

ClinVar aggregate classification (germline): Likely pathogenic. Review status: criteria provided, multiple submitters, no conflicts (2 of 4 stars). 4 submissions from 4 submitters: Likely pathogenic (3). 1 of the submissions does not count toward it. Last evaluated 2025-05-12.

Conditions:
Gaucher disease. Also called: Acute cerebral Gaucher disease; Cerebroside lipidosis syndrome; Gaucher splenomegaly; Sphingolipidosis 1; Glucocerebrosidosis; Glucosylceramidase deficiency. Identifiers: Orphanet 355, MedGen C0017205, MONDO:0018150.
Gaucher disease type I (GD1). Also called: GD 1; GAUCHER DISEASE, NONCEREBRAL JUVENILE; GBA DEFICIENCY; GD I; GLUCOCEREBROSIDASE DEFICIENCY; ACID BETA-GLUCOSIDASE DEFICIENCY. Identifiers: Orphanet 355, Orphanet 77259, MedGen C1961835, MONDO:0009265, OMIM 230800.

Allele frequency attached by ClinVar (database versions not stated): gnomAD exomes below 0.00001; ExAC 0.00001.
gnomAD v4.1: 1 of 1,613,912 alleles (0.000062%); highest among the groups gnomAD compares: Non-Finnish European, 0.000085%; no homozygotes.

Submissions (4):

Natera, Inc.
Classification: Likely pathogenic for Gaucher disease. Last evaluated: 2025-05-12. Review status: criteria provided, single submitter. Criteria: Natera Variant Classification Schema (03/2026). Collection method: clinical testing. Allele origin: germline.
Comment: The c.1208G>C variant in GBA1 is a missense variant predicted to cause substitution of serine to threonine at amino acid 403. This variant is rare in the general population with a frequency below the threshold expected for the associated phenotype(s). This variant has been observed in one or more individuals affected with the associated recessive disease, as either homozygous or compound heterozygous with a second variant (PMID: 18586596, 26756743, 1899336). Given the available evidence, this variant is classified as Likely Pathogenic.

GeneDx
Classification: Likely pathogenic. Last evaluated: 2022-03-02. Review status: criteria provided, single submitter. Criteria: GeneDx Variant Classification Process June 2021. Collection method: clinical testing. Allele origin: germline. Affected: yes.
Comment: Published functional studies demonstrate a damaging effect with reduced enzyme activity compared to wildtype (Grace et al., 1994; Liou et al., 2006); In silico analysis supports that this missense variant does not alter protein structure/function; Also known as S364T; This variant is associated with the following publications: (PMID: 16293621, 8294487, 21228398, 26756743, 18586596, 1899336)

Broad Center for Mendelian Genomics, Broad Institute of MIT and Harvard
Classification: Likely pathogenic for Gaucher disease type I. Last evaluated: 2020-01-22. Review status: criteria provided, single submitter. Criteria: ACMG Guidelines, 2015. Collection method: curation. Allele origin: germline. Inheritance: Autosomal recessive inheritance.
Comment: The p.Ser403Thr variant in GBA has been reported in 4 individuals with Gaucher disease (PMID: 1899336, 26756743, 18586596) and has been identified in 0.001% (1/113654) of European (non-Finnish) chromosomes by the by the Genome Aggregation Database (gnomAD; dbSNP rs121908307). Although this variant has been seen in the general population, its frequency is low enough to be consistent with a recessive carrier frequency. Computational prediction tools and conservation analyses do not provide strong support for or against an impact to the protein. A likely pathogenic variant, resulting in a different amino acid change at the same position, p.Ser403Arg, has been reported in association with disease in the literature, slightly supporting that a change at this position may not be tolerated (PMID: 16039881, 14757438, 11783951, 21384230, 22429443). Additionally, the presence of this variant in combination with a reported pathogenic variant and in 4 individuals with Gaucher disease increases the likelihood that the p.Ser403Thr variant is pathogenic (VariationID: 4288, PMID: 1899336, 26756743, 18586596). In summary, although additional studies are required to fully establish its clinical significance, this variant is likely pathogenic. ACMG/AMP Criteria applied: PM3_strong, PM2, PM5_supporting (Richards 2015).

OMIM
Classification: Pathogenic for GAUCHER DISEASE, TYPE I. Last evaluated: 1990-07-01. Review status: no assertion criteria provided. Collection method: literature only. Allele origin: germline. Not counted in ClinVar's aggregate classification.

Literature cited by the submitters: PubMed 18586596 (cited by Natera, Inc. and Broad Center for Mendelian Genomics, Broad Institute of MIT and Harvard); PubMed 26756743 (cited by Natera, Inc. and Broad Center for Mendelian Genomics, Broad Institute of MIT and Harvard); PubMed 1899336 (cited by Natera, Inc. and Broad Center for Mendelian Genomics, Broad Institute of MIT and Harvard); PubMed 2349952 (cited by OMIM).

NM_000157.4(GBA1):c.1208G>C (p.Ser403Thr)

Genes: GBA1 (glucosylceramidase beta 1; minus strand), LOC106627981 (GBA recombination region; plus strand). Cytogenetic location: 1q22.
Variant type: single nucleotide variant.
Coding change: c.1208G>C on transcript NM_000157.4 (MANE Select); coding-DNA position 1208, G replaced by C.
Protein change: p.Ser403Thr; replaces serine 403 with threonine.
Molecular consequence: missense variant.
Genome position (GRCh38, 1-based): chr1:155,236,261, C>G on the plus strand (G>C on the coding strand, the complement: GBA1 is on the minus strand). VCF-style: chr1-155236261-C-G. GRCh37 (hg19) VCF-style: chr1-155206052-C-G.
Other names: S364T; c.1208G>C, p.Ser403Thr (NM_001005741.3, NM_001005742.3); c.947G>C, p.Ser316Thr (NM_001171811.2); c.1061G>C, p.Ser354Thr (NM_001171812.2); c.1208G>C (NM_000157.3); short protein forms S403T, S316T, S354T.
Identifiers: ClinVar variation 4320 (VCV000004320.6), dbSNP rs121908307, ClinGen allele CA253096.